The following is an entry in ClinVar:

NM_001267550.2(TTN):c.64518del (p.Val21507fs)

Genes: TTN (titin; minus strand), TTN-AS1 (TTN antisense RNA 1; plus strand). Cytogenetic location: 2q31.2.
Variant type: Deletion.
Coding change: c.64518del on transcript NM_001267550.2 (MANE Select); coding-DNA position 64518, one base deleted (A; older notation c.64518delA).
Protein change: p.Val21507fs; shifts the reading frame from valine 21507.
Molecular consequence: frameshift variant.
Genome position (GRCh38, 1-based): chr2:178,585,226, T deleted on the plus strand (A on the coding strand, the reverse complement: TTN is on the minus strand); the first of 2 consecutive T bases (chr2:178,585,226-178,585,227); deleting either gives the same sequence. VCF-style (leftmost placement, unchanged base first): chr2-178585225-CT-C. GRCh37 (hg19) VCF-style: chr2-179449952-CT-C.
Other names: c.59595del, p.Val19866fs (NM_001256850.1); c.37323del, p.Val12442fs (NM_003319.4); c.56814del, p.Val18939fs (NM_133378.4); c.37698del, p.Val12567fs (NM_133432.3); c.37899del, p.Val12634fs (NM_133437.4); short protein forms V12442fs, V21507fs, V12567fs, V12634fs, V18939fs, V19866fs.
Identifiers: ClinVar variation 1504582 (VCV001504582.6), dbSNP rs2154180376, ClinGen allele CA2573134187.

ClinVar aggregate classification (germline): Likely pathogenic (1 of 4 stars; one submission).

Conditions:
Dilated cardiomyopathy 1G (CMD1G). Identifiers: Orphanet 154, MedGen C1858763, MONDO:0011400, OMIM 604145.
Autosomal recessive limb-girdle muscular dystrophy type 2J (LGMDR10). Also called: MUSCULAR DYSTROPHY, LIMB-GIRDLE, AUTOSOMAL RECESSIVE 10; Limb-girdle muscular dystrophy, type 2J. Identifiers: Orphanet 140922, MedGen C1837342, MONDO:0012127, OMIM 608807.

Submission:

Labcorp Genetics (formerly Invitae), Labcorp
Classification: Likely pathogenic for Dilated cardiomyopathy 1G; Autosomal recessive limb-girdle muscular dystrophy type 2J. Last evaluated: 2021-11-06. Review status: criteria provided, single submitter. Criteria: Invitae Variant Classification Sherloc (09022015). Collection method: clinical testing. Allele origin: germline.
Comment: This variant has not been reported in the literature in individuals affected with TTN-related conditions. This variant is not present in population databases (gnomAD no frequency). This sequence change creates a premature translational stop signal (p.Val21507Leufs*18) in the TTN gene. While this is not anticipated to result in nonsense mediated decay, it is expected to create a truncated TTN protein. This variant is located in the A band of TTN (PMID: 25589632). Truncating variants in this region are significantly overrepresented in patients affected with dilated cardiomyopathy (PMID: 25589632). Truncating variants in this region have also been reported in individuals affected with autosomal recessive centronuclear myopathy (PMID: 23975875). In summary, the currently available evidence indicates that the variant is pathogenic, but additional data are needed to prove that conclusively. Therefore, this variant has been classified as Likely Pathogenic.

Literature cited by the submitters: PubMed 25589632; PubMed 23975875.